The following is an entry in ClinVar:

ClinVar aggregate classification (germline): Likely pathogenic. Review status: criteria provided, single submitter (1 of 4 stars). 2 submissions from 2 submitters: Likely pathogenic (1). 1 of the submissions does not count toward it. Last evaluated 2013-02-08.

Conditions:
Bernard-Soulier syndrome, type B. Identifiers: MedGen C1856447.
GP1BB-related disorder. Also called: GP1BB-related condition.

Allele frequency attached by ClinVar (database versions not stated): gnomAD exomes below 0.00001; gnomAD 0.00001; TOPMed 0.00001.

Submissions (2):

Genetic Services Laboratory, University of Chicago
Classification: Likely pathogenic for Bernard-Soulier syndrome. Last evaluated: 2013-02-08. Review status: criteria provided, single submitter. Criteria: ACMG Guidelines, 2007. Collection method: clinical testing. Allele origin: germline. Inheritance: Autosomal recessive inheritance. Affected: yes.

PreventionGenetics, part of Exact Sciences
Classification: Uncertain significance for GP1BB-related condition. Last evaluated: 2024-05-13. Review status: no assertion criteria provided. Collection method: clinical testing. Allele origin: germline. Not counted in ClinVar's aggregate classification.
Comment: The GP1BB c.340C>T variant is predicted to result in the amino acid substitution p.Arg114Cys. To our knowledge, this variant has not been reported in the literature or in a large population database, indicating this variant is rare. At this time, the clinical significance of this variant is uncertain due to the absence of conclusive functional and genetic evidence.

NM_000407.5(GP1BB):c.340C>T (p.Arg114Cys)

Genes: GP1BB (glycoprotein Ib platelet subunit beta; plus strand), SEPT5-GP1BB (SEPT5-GP1BB readthrough; plus strand). Cytogenetic location: 22q11.21.
Variant type: single nucleotide variant.
Coding change: c.340C>T on transcript NM_000407.5 (MANE Select); coding-DNA position 340, C replaced by T.
Protein change: p.Arg114Cys; replaces arginine 114 with cysteine.
Molecular consequence: missense variant. On other transcripts: non-coding transcript variant (2).
Genome position (GRCh38, 1-based): chr22:19,724,183, C>T. VCF-style: chr22-19724183-C-T. GRCh37 (hg19) VCF-style: chr22-19711706-C-T.
Other names: short protein forms R114C.
Identifiers: ClinVar variation 158610 (VCV000158610.7), dbSNP rs587783648, ClinGen allele CA172242.